The following is an entry in ClinVar:

ClinVar aggregate classification (germline): Uncertain significance (1 of 4 stars; one submission).

Conditions:
Epidermolysis bullosa simplex 5C, with pyloric atresia (EBS5C). Also called: PLEC-Related Epidermolysis Bullosa with Pyloric Atresia; Epidermolysis bullosa simplex with pyloric atresia; PLEC1-Related Epidermolysis Bullosa with Pyloric Atresia. Identifiers: Orphanet 158684, MedGen C2677349, MONDO:0012807, OMIM 612138.
Epidermolysis bullosa simplex with nail dystrophy (EBS5D). Identifiers: MedGen C4225309, MONDO:0014661, OMIM 616487.
Epidermolysis bullosa simplex 5B, with muscular dystrophy (EBS5B). Also called: EPIDERMOLYSIS BULLOSA SIMPLEX AND LIMB-GIRDLE MUSCULAR DYSTROPHY; Epidermolysis bullosa simplex with muscular dystrophy. Identifiers: Orphanet 257, MedGen C2931072, MONDO:0009181, OMIM 226670.
Epidermolysis bullosa simplex, Ogna type (EBS5A). Also called: Pidermolysis bullosa simplex 5A, Ogna type; EPIDERMOLYSIS BULLOSA SIMPLEX 5A, OGNA TYPE. Identifiers: Orphanet 79401, MedGen C0432317, MONDO:0007555, OMIM 131950.
Autosomal recessive limb-girdle muscular dystrophy type 2Q (LGMDR17). Also called: MUSCULAR DYSTROPHY, LIMB-GIRDLE, AUTOSOMAL RECESSIVE 17. Identifiers: Orphanet 254361, MedGen C3150989, MONDO:0013390, OMIM 613723.

Allele frequency attached by ClinVar (database versions not stated): TOPMed 0.00002; ExAC 0.00004; gnomAD 0.00004; gnomAD exomes 0.00004; 1000 Genomes Project 30x 0.00016.
gnomAD v4.1: 62 of 1,586,388 alleles (0.0039%); highest among the groups gnomAD compares: African/African-American, 0.011%; no homozygotes.

Submission:

Labcorp Genetics (formerly Invitae), Labcorp
Classification: Uncertain significance for Autosomal recessive limb-girdle muscular dystrophy type 2Q; Epidermolysis bullosa simplex, Ogna type; Epidermolysis bullosa simplex with nail dystrophy; Epidermolysis bullosa simplex 5C, with pyloric atresia; Epidermolysis bullosa simplex 5B, with muscular dystrophy. Last evaluated: 2023-11-29. Review status: criteria provided, single submitter. Criteria: Invitae Variant Classification Sherloc (09022015). Collection method: clinical testing. Allele origin: germline.
Comment: This sequence change replaces arginine, which is basic and polar, with glutamine, which is neutral and polar, at codon 2399 of the PLEC protein (p.Arg2399Gln). This variant is present in population databases (rs782785581, gnomAD 0.02%). This variant has not been reported in the literature in individuals affected with PLEC-related conditions. ClinVar contains an entry for this variant (Variation ID: 2085041). Advanced modeling of protein sequence and biophysical properties (such as structural, functional, and spatial information, amino acid conservation, physicochemical variation, residue mobility, and thermodynamic stability) has been performed at Invitae for this missense variant, however the output from this modeling did not meet the statistical confidence thresholds required to predict the impact of this variant on PLEC protein function. In summary, the available evidence is currently insufficient to determine the role of this variant in disease. Therefore, it has been classified as a Variant of Uncertain Significance.

NM_201384.3(PLEC):c.7115G>A (p.Arg2372Gln)

Gene: PLEC (plectin; minus strand). Cytogenetic location: 8q24.3.
Variant type: single nucleotide variant.
Coding change: c.7115G>A on transcript NM_201384.3 (MANE Select); coding-DNA position 7115, G replaced by A.
Protein change: p.Arg2372Gln; replaces arginine 2372 with glutamine.
Molecular consequence: missense variant.
Genome position (GRCh38, 1-based): chr8:143,922,814, C>T on the plus strand (G>A on the coding strand, the complement: PLEC is on the minus strand). VCF-style: chr8-143922814-C-T. GRCh37 (hg19) VCF-style: chr8-144996982-C-T.
Other names: c.7196G>A, p.Arg2399Gln (NM_000445.5); c.7073G>A, p.Arg2358Gln (NM_201378.4); c.7049G>A, p.Arg2350Gln (NM_201379.3); c.7526G>A, p.Arg2509Gln (NM_201380.4); c.7019G>A, p.Arg2340Gln (NM_201381.3); c.7115G>A, p.Arg2372Gln (NM_201382.4); c.7127G>A, p.Arg2376Gln (NM_201383.3); short protein forms R2376Q, R2372Q, R2340Q, R2350Q, R2358Q, R2399Q, R2509Q.
Identifiers: ClinVar variation 2085041 (VCV002085041.4), dbSNP rs782785581, ClinGen allele CA4925755.